The following is an entry in ClinVar:

ClinVar aggregate classification (germline): Uncertain significance (1 of 4 stars; one submission).

Submission:

Labcorp Genetics (formerly Invitae), Labcorp
Classification: Uncertain significance. Last evaluated: 2023-02-01. Review status: criteria provided, single submitter. Criteria: Invitae Variant Classification Sherloc (09022015). Collection method: clinical testing. Allele origin: germline.
Comment: In summary, the available evidence is currently insufficient to determine the role of this variant in disease. Therefore, it has been classified as a Variant of Uncertain Significance. Advanced modeling of protein sequence and biophysical properties (such as structural, functional, and spatial information, amino acid conservation, physicochemical variation, residue mobility, and thermodynamic stability) performed at Invitae indicates that this missense variant is not expected to disrupt SRCAP protein function. This variant has not been reported in the literature in individuals affected with SRCAP-related conditions. This variant is present in population databases (no rsID available, gnomAD 0.01%). This sequence change replaces proline, which is neutral and non-polar, with threonine, which is neutral and polar, at codon 1058 of the SRCAP protein (p.Pro1058Thr).

NM_006662.3(SRCAP):c.3172C>A (p.Pro1058Thr)

Gene: SRCAP (Snf2 related CREBBP activator protein; plus strand). Cytogenetic location: 16p11.2.
Variant type: single nucleotide variant.
Coding change: c.3172C>A on transcript NM_006662.3 (MANE Select); coding-DNA position 3172, C replaced by A.
Protein change: p.Pro1058Thr; replaces proline 1058 with threonine.
Molecular consequence: missense variant.
Genome position (GRCh38, 1-based): chr16:30,720,897, C>A. VCF-style: chr16-30720897-C-A. GRCh37 (hg19) VCF-style: chr16-30732218-C-A.
Other names: short protein forms P1058T.
Identifiers: ClinVar variation 2836967 (VCV002836967.3), dbSNP rs145506785, ClinGen allele CA395613461.
Genomic context (GRCh38, chr16:30,720,897, plus strand): 5'-CCTGGCCCAGTCCCCCAAGTGCTGCCAGCATCACTGATGGTTTCAGCCTCACCTGCCGGG[C>A]CCCCGCTTATTCCTGCATCTCGGCCTCCTGGCCCTGTCCTCTTGCCTCCACTGCAGCCCA-3'
Protein context (NP_006653.2, residues 1048-1068): SLMVSASPAG[Pro1058Thr]PLIPASRPPG